The following is an entry in ClinVar:

NM_198428.3(BBS9):c.*371G>A

Gene: BBS9 (Bardet-Biedl syndrome 9; plus strand). Cytogenetic location: 7p14.3.
Variant type: single nucleotide variant.
Coding change: c.*371G>A on transcript NM_198428.3 (MANE Select); 371 bases downstream of the stop codon, G replaced by A.
Molecular consequence: 3 prime UTR variant. On other transcripts: non-coding transcript variant (3), intron variant (2).
Genome position (GRCh38, 1-based): chr7:33,605,597, G>A. VCF-style: chr7-33605597-G-A. GRCh37 (hg19) VCF-style: chr7-33645209-G-A.
Other names: c.*371G>A (NM_001033604.2, NM_001033605.2, NM_001348036.1 and 10 more transcripts); c.2522-29580G>A (NM_001362679.1); c.2632+622G>A (NM_001348041.4).
Identifiers: ClinVar variation 360078 (VCV000360078.5), dbSNP rs79271934, ClinGen allele CA10629138.

ClinVar aggregate classification (germline): Benign (1 of 4 stars; one submission).

Conditions:
Bardet-Biedl syndrome 9 (BBS9). Identifiers: Orphanet 110, MedGen C1859567, MONDO:0014437, OMIM 615986.

Allele frequency attached by ClinVar (database versions not stated): gnomAD 0.00768 and 0.00860; TOPMed 0.00821; 1000 Genomes Project 30x 0.02108; 1000 Genomes Project 0.02216.
gnomAD v4.1: 2,220 of 267,626 alleles (0.83%); highest among the groups gnomAD compares: East Asian, 9%; 53 homozygotes.

Submission:

Illumina Laboratory Services, Illumina
Classification: Benign for Bardet-Biedl syndrome 9. Last evaluated: 2018-01-13. Review status: criteria provided, single submitter. Criteria: ICSL Variant Classification Criteria 13 December 2019. Collection method: clinical testing. Allele origin: germline.
Comment: This variant was observed in the ICSL laboratory as part of a predisposition screen in an ostensibly healthy population. It had not been previously curated by ICSL or reported in the Human Gene Mutation Database (HGMD: prior to June 1st, 2018), and was therefore a candidate for classification through an automated scoring system. Utilizing variant allele frequency, disease prevalence and penetrance estimates, and inheritance mode, an automated score was calculated to assess if this variant is too frequent to cause the disease. Based on the score and internal cut-off values, a variant classified as benign is not then subjected to further curation. The score for this variant resulted in a classification of benign for this disease.